The following is an entry in ClinVar:

ClinVar aggregate classification (germline): Benign. Review status: criteria provided, multiple submitters, no conflicts (2 of 4 stars). 11 submissions from 11 submitters: Benign (11). Last evaluated 2026-04-16.

Conditions:
DICER1-related tumor predisposition. Also called: DICER1-related pleuropulmonary blastoma cancer predisposition syndrome; DICER1 syndrome. Identifiers: Orphanet 284343, MedGen C3839822, MONDO:0100216.
Hereditary cancer-predisposing syndrome. Also called: Hereditary neoplastic syndrome; Neoplastic Syndromes, Hereditary; Hereditary Cancer Syndrome; Tumor predisposition. Identifiers: Orphanet 140162, MedGen C0027672, MeSH D009386, MONDO:0015356.
Pleuropulmonary blastoma (PPB). Identifiers: Orphanet 64742, MedGen C1266144, MONDO:0011014, OMIM 601200, HP:0100528.

Allele frequency attached by ClinVar (database versions not stated): 1000 Genomes Project 30x 0.01093; ExAC 0.00240; gnomAD 0.00806 and 0.00759; gnomAD exomes 0.00077 and 0.00197; TOPMed 0.00828; 1000 Genomes Project 0.01018; ESP Exome Variant Server 0.00838.
gnomAD v4.1: 2,324 of 1,614,058 alleles (0.14%); highest among the groups gnomAD compares: African/African-American, 2.7%; 30 homozygotes.

Submissions (11):

Myriad Genetics, Inc.
Classification: Benign for DICER1-related tumor predisposition. Last evaluated: 2026-04-16. Review status: criteria provided, single submitter. Criteria: Myriad Autosomal Dominant, Autosomal Recessive and X-Linked Classification Criteria (2023). Collection method: clinical testing. Allele origin: unknown.
Comment: This variant is considered benign. This variant is a silent/synonymous amino acid change and it is not expected to impact splicing.

Labcorp Genetics (formerly Invitae), Labcorp
Classification: Benign for DICER1-related tumor predisposition. Last evaluated: 2026-02-03. Review status: criteria provided, single submitter. Criteria: Invitae Variant Classification Sherloc (09022015). Collection method: clinical testing. Allele origin: germline.

Quest Diagnostics Nichols Institute San Juan Capistrano
Classification: Benign. Last evaluated: 2025-05-06. Review status: criteria provided, single submitter. Criteria: Quest Diagnostics criteria. Collection method: clinical testing. Allele origin: unknown.

Center for Genomic Medicine, Rigshospitalet, Copenhagen University Hospital
Classification: Benign. Last evaluated: 2025-03-04. Review status: criteria provided, single submitter. Criteria: ACMG Guidelines, 2015. Collection method: clinical testing. Allele origin: germline.

KCCC/NGS Laboratory, Kuwait Cancer Control Center
Classification: Benign for Pleuropulmonary blastoma. Last evaluated: 2023-07-07. Review status: criteria provided, single submitter. Criteria: ACMG Guidelines, 2015. Collection method: clinical testing. Allele origin: germline. Affected: yes.

ARUP Laboratories, Molecular Genetics and Genomics, ARUP Laboratories
Classification: Benign. Last evaluated: 2022-03-11. Review status: criteria provided, single submitter. Criteria: ARUP Molecular Germline Variant Investigation Process 2021. Collection method: clinical testing. Allele origin: germline.

Sema4
Classification: Benign for Hereditary cancer-predisposing syndrome. Last evaluated: 2021-06-02. Review status: criteria provided, single submitter. Criteria: Sema4 Curation Guidelines. Collection method: curation. Allele origin: germline.

GeneDx
Classification: Benign. Last evaluated: 2018-03-19. Review status: criteria provided, single submitter. Criteria: GeneDx Variant Classification (06012015). Collection method: clinical testing. Allele origin: germline. Affected: yes.
Comment: This variant is considered likely benign or benign based on one or more of the following criteria: it is a conservative change, it occurs at a poorly conserved position in the protein, it is predicted to be benign by multiple in silico algorithms, and/or has population frequency not consistent with disease.

Illumina Laboratory Services, Illumina
Classification: Benign for Pleuropulmonary blastoma. Last evaluated: 2018-01-13. Review status: criteria provided, single submitter. Criteria: ICSL Variant Classification Criteria 13 December 2019. Collection method: clinical testing. Allele origin: germline.
Comment: This variant was observed in the ICSL laboratory as part of a predisposition screen in an ostensibly healthy population. It had not been previously curated by ICSL or reported in the Human Gene Mutation Database (HGMD: prior to June 1st, 2018), and was therefore a candidate for classification through an automated scoring system. Utilizing variant allele frequency, disease prevalence and penetrance estimates, and inheritance mode, an automated score was calculated to assess if this variant is too frequent to cause the disease. Based on the score and internal cut-off values, a variant classified as benign is not then subjected to further curation. The score for this variant resulted in a classification of benign for this disease.

Ambry Genetics
Classification: Benign for Hereditary cancer-predisposing syndrome. Last evaluated: 2016-10-24. Review status: criteria provided, single submitter. Criteria: Ambry Variant Classification Scheme 2023. Collection method: clinical testing. Allele origin: germline.

PreventionGenetics, part of Exact Sciences
Classification: Benign. Last evaluated: 2016-05-02. Review status: criteria provided, single submitter. Criteria: ACMG Guidelines, 2015. Collection method: clinical testing. Allele origin: germline.

Literature cited by the submitters: PubMed 21266384 (cited by Quest Diagnostics Nichols Institute San Juan Capistrano); PubMed 33718253 (cited by Quest Diagnostics Nichols Institute San Juan Capistrano).

NM_177438.3(DICER1):c.1887G>A (p.Thr629=)

Gene: DICER1 (dicer 1, ribonuclease III; minus strand). Cytogenetic location: 14q32.13.
Variant type: single nucleotide variant.
Coding change: c.1887G>A on transcript NM_177438.3 (MANE Select); coding-DNA position 1887, G replaced by A.
Protein change: p.Thr629=; no amino-acid change (threonine 629 retained).
Molecular consequence: synonymous variant.
Genome position (GRCh38, 1-based): chr14:95,115,687, C>T on the plus strand (G>A on the coding strand, the complement: DICER1 is on the minus strand). VCF-style: chr14-95115687-C-T. GRCh37 (hg19) VCF-style: chr14-95582024-C-T.
Other names: c.1887G>A, p.Thr629= (NM_001195573.1, NM_001271282.3, NM_001291628.2 and 1 more transcripts).
Identifiers: ClinVar variation 242051 (VCV000242051.40), dbSNP rs141651702, ClinGen allele CA7331377.